The following is an entry in ClinVar:

ClinVar aggregate classification (germline): Uncertain significance (1 of 4 stars; one submission).

gnomAD v4.1: 2 of 1,614,124 alleles (0.00012%); highest among the groups gnomAD compares: Non-Finnish European, 0.00017%; no homozygotes.

Submission:

Ambry Genetics
Classification: Uncertain significance. Last evaluated: 2026-06-15. Review status: criteria provided, single submitter. Criteria: Ambry Variant Classification Scheme 2023. Collection method: clinical testing. Allele origin: germline.
Comment: The p.H762Y variant (also known as c.2284C>T), located in coding exon 1 of the TET2 gene, results from a C to T substitution at nucleotide position 2284. The histidine at codon 762 is replaced by tyrosine, an amino acid with similar properties. This amino acid position is conserved. In addition, this alteration is predicted to be tolerated by in silico analysis. Based on the available evidence, the clinical significance of this variant remains unclear.

NM_001127208.3(TET2):c.2284C>T (p.His762Tyr)

Genes: TET2 (tet methylcytosine dioxygenase 2; plus strand), TET2-AS1 (TET2 antisense RNA 1; minus strand). Cytogenetic location: 4q24.
Variant type: single nucleotide variant.
Coding change: c.2284C>T on transcript NM_001127208.3 (MANE Select); coding-DNA position 2284, C replaced by T.
Protein change: p.His762Tyr; replaces histidine 762 with tyrosine.
Molecular consequence: missense variant.
Genome position (GRCh38, 1-based): chr4:105,236,226, C>T. VCF-style: chr4-105236226-C-T. GRCh37 (hg19) VCF-style: chr4-106157383-C-T.
Other names: c.2284C>T, p.His762Tyr (NM_017628.4); short protein forms H762Y.
Identifiers: ClinVar variation 5030677 (VCV005030677.1).